The following is an entry in ClinVar:

ClinVar aggregate classification (germline): Likely pathogenic (1 of 4 stars; one submission).

Conditions:
Ververi-Brady syndrome. Identifiers: MedGen C4693824, MONDO:0979877, MONDO:0060707.

Submission:

Victorian Clinical Genetics Services, Murdoch Childrens Research Institute
Classification: Likely pathogenic for Ververi-Brady syndrome 1. Last evaluated: 2023-07-17. Review status: criteria provided, single submitter. Criteria: ACMG Guidelines, 2015. Collection method: clinical testing. Allele origin: germline. Inheritance: Autosomal dominant inheritance. Affected: yes.
Comment: Based on the classification scheme VCGS_Germline_v1.3.4, this variant is classified as Likely pathogenic. Following criteria are met: 0102 - Loss of function is a known mechanism of disease in this gene and is associated with Ververi-Brady syndrome (MIM#617982). (I) 0107 - This gene is associated with autosomal dominant disease. (I) 0200 - Variant is predicted to result in a missense amino acid change from tryptophan to glycine. (I) 0251 - This variant is heterozygous. (I) 0301 - Variant is absent from gnomAD (both v2 and v3). (SP) 0501 - Missense variant consistently predicted to be damaging by multiple in silico tools or highly conserved with a major amino acid change. (SP) 0603 - Missense variant in a region that is highly intolerant to missense variation (high constraint region in DECIPHER). (SP) 0705 - No comparable missense variants have previous evidence for pathogenicity. (I) 0807 - This variant has no previous evidence of pathogenicity. (I) 0905 - No published segregation evidence has been identified for this variant. (I) 1007 - No published functional evidence has been identified for this variant. (SP) Legend: (SP) - Supporting pathogenic, (I) - Information, (SB) - Supporting benign

NM_198880.3(QRICH1):c.1453T>G (p.Trp485Gly)

Gene: QRICH1 (glutamine rich 1; minus strand). Cytogenetic location: 3p21.31.
Variant type: single nucleotide variant.
Coding change: c.1453T>G on transcript NM_198880.3 (MANE Select); coding-DNA position 1453, T replaced by G.
Protein change: p.Trp485Gly; replaces tryptophan 485 with glycine.
Molecular consequence: missense variant.
Genome position (GRCh38, 1-based): chr3:49,047,132, A>C on the plus strand (T>G on the coding strand, the complement: QRICH1 is on the minus strand). VCF-style: chr3-49047132-A-C. GRCh37 (hg19) VCF-style: chr3-49084565-A-C.
Other names: c.1453T>G, p.Trp485Gly (NM_001320580.2, NM_001320581.2, NM_001320582.2 and 4 more transcripts); short protein forms W485G.
Identifiers: ClinVar variation 3254880 (VCV003254880.1), dbSNP rs2471682518.
Genomic context (GRCh38, chr3:49,047,132, plus strand): 5'-CAATGGGTGCCAATCTGTTCTGAGCATCCTTCTCTAGTTCAGCATTCTTGGTCTGGGCCC[A>C]GTTTTTCCATACTTCAAGCCCTTCTTCTGGCTTCAAAGAATTTGGAAGCAGAAGTTCTGG-3'
Protein context (NP_942581.1, residues 475-495): PEEGLEVWKN[Trp485Gly]AQTKNAELEK